The following is an entry in ClinVar:

ClinVar aggregate classification (germline): Uncertain significance (1 of 4 stars; one submission).

Conditions:
Cardiovascular phenotype. Identifiers: MedGen CN230736.

Allele frequency attached by ClinVar (database versions not stated): gnomAD exomes below 0.00001.
gnomAD v4.1: 1 of 1,613,814 alleles (0.000062%); highest among the groups gnomAD compares: Admixed American, 0.0017%; no homozygotes.

Submission:

Ambry Genetics
Classification: Uncertain significance for Cardiovascular phenotype. Last evaluated: 2023-11-06. Review status: criteria provided, single submitter. Criteria: Ambry Variant Classification Scheme 2023. Collection method: clinical testing. Allele origin: germline.
Comment: The p.V194A variant (also known as c.581T>C), located in coding exon 5 of the TRPM4 gene, results from a T to C substitution at nucleotide position 581. The valine at codon 194 is replaced by alanine, an amino acid with similar properties. This amino acid position is conserved. In addition, the in silico prediction for this alteration is inconclusive. Since supporting evidence is limited at this time, the clinical significance of this alteration remains unclear.

NM_017636.4(TRPM4):c.581T>C (p.Val194Ala)

Gene: TRPM4 (transient receptor potential cation channel subfamily M member 4; plus strand). Cytogenetic location: 19q13.33.
Variant type: single nucleotide variant.
Coding change: c.581T>C on transcript NM_017636.4 (MANE Select); coding-DNA position 581, T replaced by C.
Protein change: p.Val194Ala; replaces valine 194 with alanine.
Molecular consequence: missense variant. On other transcripts: 5 prime UTR variant (1), intron variant (2).
Genome position (GRCh38, 1-based): chr19:49,168,392, T>C. VCF-style: chr19-49168392-T-C. GRCh37 (hg19) VCF-style: chr19-49671649-T-C.
Other names: c.581T>C, p.Val194Ala (NM_001195227.2); c.-973T>C (NM_001321282.2); c.59T>C, p.Val20Ala (NM_001321283.2); c.268-161T>C (NM_001321281.2); c.-237-161T>C (NM_001321285.2); short protein forms V194A, V20A.
Identifiers: ClinVar variation 3227033 (VCV003227033.1), dbSNP rs1373125166, ClinGen allele CA406791719.